The following is an entry in ClinVar:

ClinVar aggregate classification (germline): Conflicting classifications of pathogenicity. Review status: criteria provided, conflicting classifications (1 of 4 stars). 2 submissions from 2 submitters: Uncertain significance (1); Likely benign (1). Last evaluated 2024-11-18.

Conditions:
Cardiovascular phenotype. Identifiers: MedGen CN230736.
Hypercholesterolemia, autosomal dominant, type B (FHCL2). Also called: APOB-Related Familial Hypercholesterolemia, Autosomal Dominant; Familial Hypercholesterolemia Type B; APOLIPOPROTEIN B-100, FAMILIAL DEFECTIVE; APOLIPOPROTEIN B-100, FAMILIAL LIGAND-DEFECTIVE; HYPERCHOLESTEROLEMIA, FAMILIAL, DUE TO LIGAND-DEFECTIVE APOLIPOPROTEIN B; Hyperlipoproteinemia Type IIb. Identifiers: MedGen C1704417, MONDO:0007751, OMIM 144010.
Familial hypobetalipoproteinemia 1. Also called: Hypobetalipoproteinemia, normotriglyceridemic; Acanthocytosis with hypobetalipoproteinemia; APOB-Related Familial Hypobetalipoproteinemia. Identifiers: MedGen C4551990, MONDO:0014252, OMIM 615558.

Allele frequency attached by ClinVar (database versions not stated): gnomAD exomes below 0.00001; gnomAD 0.00001.
gnomAD v4.1: 5 of 1,613,986 alleles (0.00031%); highest among the groups gnomAD compares: East Asian, 0.011%; no homozygotes.

Submissions (2):

Labcorp Genetics (formerly Invitae), Labcorp
Classification: Likely benign for Familial hypobetalipoproteinemia 1; Hypercholesterolemia, autosomal dominant, type B. Last evaluated: 2024-11-18. Review status: criteria provided, single submitter. Criteria: Invitae Variant Classification Sherloc (09022015). Collection method: clinical testing. Allele origin: germline.

Ambry Genetics
Classification: Uncertain significance for Cardiovascular phenotype. Last evaluated: 2024-06-17. Review status: criteria provided, single submitter. Criteria: Ambry Variant Classification Scheme 2023. Collection method: clinical testing. Allele origin: germline.
Comment: The p.N3099S variant (also known as c.9296A>G), located in coding exon 26 of the APOB gene, results from an A to G substitution at nucleotide position 9296. The asparagine at codon 3099 is replaced by serine, an amino acid with highly similar properties. This amino acid position is conserved. In addition, this alteration is predicted to be tolerated by in silico analysis. Based on the available evidence, the clinical significance of this variant remains unclear.

NM_000384.3(APOB):c.9296A>G (p.Asn3099Ser)

Gene: APOB (apolipoprotein B; minus strand). Cytogenetic location: 2p24.1.
Variant type: single nucleotide variant.
Coding change: c.9296A>G on transcript NM_000384.3 (MANE Select); coding-DNA position 9296, A replaced by G.
Protein change: p.Asn3099Ser; replaces asparagine 3099 with serine.
Molecular consequence: missense variant.
Genome position (GRCh38, 1-based): chr2:21,007,572, T>C on the plus strand (A>G on the coding strand, the complement: APOB is on the minus strand). VCF-style: chr2-21007572-T-C. GRCh37 (hg19) VCF-style: chr2-21230444-T-C.
Other names: c.9296A>G (NM_000384.2); short protein forms N3099S.
Identifiers: ClinVar variation 2925935 (VCV002925935.4), dbSNP rs1307411368, ClinGen allele CA345990613.